The following is an entry in ClinVar:

ClinVar aggregate classification (germline): Benign/Likely benign. Review status: criteria provided, multiple submitters, no conflicts (2 of 4 stars). 3 submissions from 3 submitters: Benign (1); Likely benign (2). Last evaluated 2026-05-01.

Allele frequency attached by ClinVar (database versions not stated): gnomAD exomes 0.00112 and 0.00132; ESP Exome Variant Server 0.00279; ExAC 0.00316; gnomAD 0.00372 and 0.00432; 1000 Genomes Project 0.00439; TOPMed 0.00465; 1000 Genomes Project 30x 0.00468.
gnomAD v4.1: 2,212 of 1,554,646 alleles (0.14%); highest among the groups gnomAD compares: African/African-American, 1%; 12 homozygotes.

Submissions (3):

CeGaT Center for Human Genetics Tuebingen
Classification: Likely benign. Last evaluated: 2026-05-01. Review status: criteria provided, single submitter. Criteria: CeGaT Center For Human Genetics Tuebingen Variant Classification Criteria Version 2. Collection method: clinical testing. Allele origin: germline. Affected: yes. Observed: 5 variant alleles.
Comment: COL18A1: BP4, BS1

Labcorp Genetics (formerly Invitae), Labcorp
Classification: Benign. Last evaluated: 2026-02-03. Review status: criteria provided, single submitter. Criteria: Invitae Variant Classification Sherloc (09022015). Collection method: clinical testing. Allele origin: germline.

Blueprint Genetics
Classification: Likely benign. Last evaluated: 2024-09-08. Review status: criteria provided, single submitter. Criteria: ACMG Guidelines, 2015. Collection method: clinical testing. Allele origin: germline.

NM_001379500.1(COL18A1):c.3496-5C>T

Genes: COL18A1 (collagen type XVIII alpha 1 chain; plus strand), SLC19A1 (solute carrier family 19 member 1; minus strand). Cytogenetic location: 21q22.3.
Variant type: single nucleotide variant.
Coding change: c.3496-5C>T on transcript NM_001379500.1 (MANE Select); 5 bases into the intron before coding-DNA position 3496, C replaced by T.
Molecular consequence: intron variant.
Genome position (GRCh38, 1-based): chr21:45,510,059, C>T. VCF-style: chr21-45510059-C-T. GRCh37 (hg19) VCF-style: chr21-46929973-C-T.
Other names: c.4741-5C>T (NM_130444.3); c.4036-5C>T (NM_030582.4).
Identifiers: ClinVar variation 1165703 (VCV001165703.20), dbSNP rs140073122, ClinGen allele CA10067932.